The following is an entry in ClinVar:

ClinVar aggregate classification (germline): Uncertain significance (1 of 4 stars; one submission).

Conditions:
Cornelia de Lange syndrome 3 (CDLS3). Also called: SMC3-Related Cornelia de Lange Syndrome; CORNELIA DE LANGE SYNDROME 3 WITH OR WITHOUT MIDLINE BRAIN DEFECTS. Identifiers: Orphanet 199, MedGen C1853099, MONDO:0012555, OMIM 610759.

Submission:

Victorian Clinical Genetics Services, Murdoch Childrens Research Institute
Classification: Uncertain significance for Cornelia de Lange syndrome 3. Last evaluated: 2020-10-19. Review status: criteria provided, single submitter. Criteria: ACMG Guidelines, 2015. Collection method: clinical testing. Allele origin: germline. Inheritance: Autosomal dominant inheritance. Affected: yes.
Comment: Based on the classification scheme VCGS_Germline_v1.3.3, this variant is classified as VUS -3B. Following criteria are met: 0105 - The mechanism of disease for this gene is not clearly established. Loss of function and dominant negative are both suggested mechanisms. (I) 0107 - This gene is associated with autosomal dominant disease. (I) 0200 - Variant is predicted to result in a missense amino acid change from asparagine to histidine. (I) 0251 - This variant is heterozygous. (I) 0301 - Variant is absent from gnomAD (both v2 and v3). (SP) 0309 - An alternative amino acid change at the same position has been observed in gnomAD (v3) (1 heterozygote, 0 homozygotes). (I) 0503 - Missense variant consistently predicted to be tolerated by multiple in silico tools or not conserved in placental mammals with a minor amino acid change. (SB) 0600 - Variant is located in the annotated Smc domain (NCBI, PDB). (I) 0705 - No comparable missense variants have previous evidence for pathogenicity. (I) 0807 - This variant has no previous evidence of pathogenicity. (I) 0905 - No published segregation evidence has been identified for this variant. (I) 1007 - No published functional evidence has been identified for this variant. (I) Legend: (SP) - Supporting pathogenic, (I) - Information, (SB) - Supporting benign

NM_005445.4(SMC3):c.2653A>C (p.Asn885His)

Gene: SMC3 (structural maintenance of chromosomes 3; plus strand). Cytogenetic location: 10q25.2.
Variant type: single nucleotide variant.
Coding change: c.2653A>C on transcript NM_005445.4 (MANE Select); coding-DNA position 2653, A replaced by C.
Protein change: p.Asn885His; replaces asparagine 885 with histidine.
Molecular consequence: missense variant.
Genome position (GRCh38, 1-based): chr10:110,601,645, A>C. VCF-style: chr10-110601645-A-C. GRCh37 (hg19) VCF-style: chr10-112361403-A-C.
Other names: short protein forms N885H.
Identifiers: ClinVar variation 1806096 (VCV001806096.1), dbSNP rs2493147659, ClinGen allele CA378393376.